The following is an entry in ClinVar:

NM_000548.5(TSC2):c.3619A>T (p.Ser1207Cys)

Gene: TSC2 (TSC complex subunit 2; plus strand). Cytogenetic location: 16p13.3.
Variant type: single nucleotide variant.
Coding change: c.3619A>T on transcript NM_000548.5 (MANE Select); coding-DNA position 3619, A replaced by T.
Protein change: p.Ser1207Cys; replaces serine 1207 with cysteine.
Molecular consequence: missense variant. On other transcripts: non-coding transcript variant (5).
Genome position (GRCh38, 1-based): chr16:2,081,603, A>T. VCF-style: chr16-2081603-A-T. GRCh37 (hg19) VCF-style: chr16-2131604-A-T.
Other names: c.2146A>T, p.Ser716Cys (NM_001406692.1, NM_001406693.1, NM_001406694.1 and 1 more transcripts); c.2143A>T, p.Ser715Cys (NM_001406695.1, NM_001406696.1, NM_001406697.1 and 1 more transcripts); c.1885A>T, p.Ser629Cys (NM_001406698.1); c.3490A>T, p.Ser1164Cys (NM_021055.3, NM_001363528.2, NM_001370405.1); c.3487A>T, p.Ser1163Cys (NM_001077183.3, NM_001370404.1, NM_001406665.1); c.3619A>T, p.Ser1207Cys (NM_001114382.3); c.3379A>T, p.Ser1127Cys (NM_001318827.2); c.3343A>T, p.Ser1115Cys (NM_001318829.2); and 18 more; short protein forms S1006C, S1007C, S1010C, S1114C, S1115C, S1126C, S1127C, S1144C.
Identifiers: ClinVar variation 4866123 (VCV004866123.1).

ClinVar aggregate classification (germline): Uncertain significance (1 of 4 stars; one submission).

Conditions:
Hereditary cancer-predisposing syndrome. Also called: Neoplastic Syndromes, Hereditary; Tumor predisposition; Hereditary Cancer Syndrome; Hereditary neoplastic syndrome. Identifiers: Orphanet 140162, MedGen C0027672, MeSH D009386, MONDO:0015356.

Submission:

Ambry Genetics
Classification: Uncertain significance for Hereditary cancer-predisposing syndrome. Last evaluated: 2026-05-18. Review status: criteria provided, single submitter. Criteria: Ambry Variant Classification Scheme 2023. Collection method: clinical testing. Allele origin: germline.
Comment: The p.S1207C variant (also known as c.3619A>T), located in coding exon 30 of the TSC2 gene, results from an A to T substitution at nucleotide position 3619. The serine at codon 1207 is replaced by cysteine, an amino acid with dissimilar properties. This amino acid position is conserved. In addition, this alteration is predicted to be deleterious by in silico analysis. Based on the available evidence, the clinical significance of this variant remains unclear.